The following is an entry in ClinVar:

NM_022168.4(IFIH1):c.1847C>A (p.Thr616Lys)

Gene: IFIH1 (interferon induced with helicase C domain 1; minus strand). Cytogenetic location: 2q24.2.
Variant type: single nucleotide variant.
Coding change: c.1847C>A on transcript NM_022168.4 (MANE Select); coding-DNA position 1847, C replaced by A.
Protein change: p.Thr616Lys; replaces threonine 616 with lysine.
Molecular consequence: missense variant.
Genome position (GRCh38, 1-based): chr2:162,277,612, G>T on the plus strand (C>A on the coding strand, the complement: IFIH1 is on the minus strand). VCF-style: chr2-162277612-G-T. GRCh37 (hg19) VCF-style: chr2-163134122-G-T.
Other names: short protein forms T616K.
Identifiers: ClinVar variation 2498005 (VCV002498005.1), dbSNP rs1461536536, ClinGen allele CA348999574.

ClinVar aggregate classification (germline): Uncertain significance (1 of 4 stars; one submission).

Submission:

GeneDx
Classification: Uncertain significance. Last evaluated: 2022-10-04. Review status: criteria provided, single submitter. Criteria: GeneDx Variant Classification Process June 2021. Collection method: clinical testing. Allele origin: germline. Affected: yes.
Comment: Not observed at significant frequency in large population cohorts (gnomAD); In silico analysis supports that this missense variant has a deleterious effect on protein structure/function; Has not been previously published as pathogenic or benign to our knowledge